The following is an entry in ClinVar:

ClinVar aggregate classification (germline): Uncertain significance (1 of 4 stars; one submission).

Conditions:
Fanconi anemia (FA). Also called: Fanconi's anemia. Identifiers: Orphanet 84, MedGen C0015625, MeSH D005199, MONDO:0019391.

Allele frequency attached by ClinVar (database versions not stated): TOPMed below 0.00001; gnomAD 0.00001.
gnomAD v4.1: 1 of 1,613,836 alleles (0.000062%); highest among the groups gnomAD compares: African/African-American, 0.0013%; no homozygotes.

Submission:

Labcorp Genetics (formerly Invitae), Labcorp
Classification: Uncertain significance for Fanconi anemia. Last evaluated: 2022-04-15. Review status: criteria provided, single submitter. Criteria: Invitae Variant Classification Sherloc (09022015). Collection method: clinical testing. Allele origin: germline.
Comment: This sequence change replaces leucine, which is neutral and non-polar, with tryptophan, which is neutral and slightly polar, at codon 517 of the FANCI protein (p.Leu517Trp). This variant is not present in population databases (gnomAD no frequency). This variant has not been reported in the literature in individuals affected with FANCI-related conditions. Algorithms developed to predict the effect of missense changes on protein structure and function (SIFT, PolyPhen-2, Align-GVGD) all suggest that this variant is likely to be disruptive. In summary, the available evidence is currently insufficient to determine the role of this variant in disease. Therefore, it has been classified as a Variant of Uncertain Significance.

NM_001113378.2(FANCI):c.1550T>G (p.Leu517Trp)

Gene: FANCI (FA complementation group I; plus strand). Cytogenetic location: 15q26.1.
Variant type: single nucleotide variant.
Coding change: c.1550T>G on transcript NM_001113378.2 (MANE Select); coding-DNA position 1550, T replaced by G.
Protein change: p.Leu517Trp; replaces leucine 517 with tryptophan.
Molecular consequence: missense variant.
Genome position (GRCh38, 1-based): chr15:89,281,802, T>G. VCF-style: chr15-89281802-T-G. GRCh37 (hg19) VCF-style: chr15-89825033-T-G.
Other names: c.1271T>G, p.Leu424Trp (NM_001376910.1); c.1550T>G, p.Leu517Trp (NM_001376911.1, NM_018193.3); short protein forms L517W, L424W.
Identifiers: ClinVar variation 2126318 (VCV002126318.1), dbSNP rs2053624886, ClinGen allele CA393744686.